The following is an entry in ClinVar:

NM_020376.4(PNPLA2):c.1226C>T (p.Pro409Leu)

Gene: PNPLA2 (patatin like domain 2, triacylglycerol lipase; plus strand). Cytogenetic location: 11p15.5.
Variant type: single nucleotide variant.
Coding change: c.1226C>T on transcript NM_020376.4 (MANE Select); coding-DNA position 1226, C replaced by T.
Protein change: p.Pro409Leu; replaces proline 409 with leucine.
Molecular consequence: missense variant.
Genome position (GRCh38, 1-based): chr11:824,573, C>T. VCF-style: chr11-824573-C-T. GRCh37 (hg19) VCF-style: chr11-824573-C-T.
Other names: short protein forms P409L.
Identifiers: ClinVar variation 856783 (VCV000856783.7), dbSNP rs549863849, ClinGen allele CA5791347.

ClinVar aggregate classification (germline): Uncertain significance (1 of 4 stars; one submission).

Conditions:
Neutral lipid storage myopathy (NLSDM). Also called: NEUTRAL LIPID STORAGE DISEASE WITHOUT ICHTHYOSIS. Identifiers: Orphanet 98908, MedGen C1853136, MONDO:0012545, OMIM 610717.

Allele frequency attached by ClinVar (database versions not stated): TOPMed 0.00001.
gnomAD v4.1: 5 of 1,575,060 alleles (0.00032%); highest among the groups gnomAD compares: East Asian, 0.0023%; no homozygotes.

Submission:

Labcorp Genetics (formerly Invitae), Labcorp
Classification: Uncertain significance for Neutral lipid storage myopathy. Last evaluated: 2022-02-10. Review status: criteria provided, single submitter. Criteria: Invitae Variant Classification Sherloc (09022015). Collection method: clinical testing. Allele origin: germline.
Comment: This sequence change replaces proline, which is neutral and non-polar, with leucine, which is neutral and non-polar, at codon 409 of the PNPLA2 protein (p.Pro409Leu). The frequency data for this variant in the population databases is considered unreliable, as metrics indicate poor data quality at this position in the gnomAD database. This variant has not been reported in the literature in individuals affected with PNPLA2-related conditions. ClinVar contains an entry for this variant (Variation ID: 856783). Algorithms developed to predict the effect of missense changes on protein structure and function (SIFT, PolyPhen-2, Align-GVGD) all suggest that this variant is likely to be tolerated. In summary, the available evidence is currently insufficient to determine the role of this variant in disease. Therefore, it has been classified as a Variant of Uncertain Significance.